The following is an entry in ClinVar:

ClinVar aggregate classification (germline): Uncertain significance (1 of 4 stars; one submission).

Conditions:
Hereditary cancer-predisposing syndrome. Also called: Neoplastic Syndromes, Hereditary; Hereditary neoplastic syndrome; Tumor predisposition; Hereditary Cancer Syndrome. Identifiers: Orphanet 140162, MedGen C0027672, MeSH D009386, MONDO:0015356.

gnomAD v4.1: 1 of 1,614,068 alleles (0.000062%); highest among the groups gnomAD compares: Non-Finnish European, 0.000085%; no homozygotes.

Submission:

Ambry Genetics
Classification: Uncertain significance for Hereditary cancer-predisposing syndrome. Last evaluated: 2026-02-06. Review status: criteria provided, single submitter. Criteria: Ambry Variant Classification Scheme 2023. Collection method: clinical testing. Allele origin: germline.
Comment: The c.1299-2A>G intronic variant results from an A to G substitution two nucleotides upstream from coding exon 12 in the EGFR gene. This nucleotide position is highly conserved in available vertebrate species. In silico splice site analysis predicts that this alteration will weaken the native splice acceptor site and will result in the creation or strengthening of a novel splice acceptor site. Variants that disrupt the canonical splice site are expected to cause aberrant splicing, resulting in an abnormal protein or a transcript that is subject to nonsense-mediated mRNA decay. Although biallelic loss of function of EGFR are known to cause EGFR-related neonatal inflammatory skin and bowel disease, such associations with EGFR-related lung cancer have not been reported. Based on the supporting evidence, this variant is expected to be causative of EGFR-related neonatal inflammatory skin and bowel disease when present along with a second pathogenic variant on the other allele; however, its clinical significance for EGFR-related lung cancer is unclear.

NM_005228.5(EGFR):c.1299-2A>G

Gene: EGFR (epidermal growth factor receptor; plus strand). Cytogenetic location: 7p11.2.
Variant type: single nucleotide variant.
Coding change: c.1299-2A>G on transcript NM_005228.5 (MANE Select); the canonical splice acceptor site of the intron before coding-DNA position 1299, A replaced by G.
Molecular consequence: splice acceptor variant.
Genome position (GRCh38, 1-based): chr7:55,160,137, A>G. VCF-style: chr7-55160137-A-G. GRCh37 (hg19) VCF-style: chr7-55227830-A-G.
Other names: c.1164-2A>G (NM_001346899.2, NM_001346897.2); c.498-2A>G (NM_001346941.2); c.1299-2A>G (NM_001346898.2, NM_201284.2, NM_201282.2); c.1140-2A>G (NM_001346900.2).
Identifiers: ClinVar variation 4824466 (VCV004824466.1).
Genomic context (GRCh38, chr7:55,160,137, plus strand): 5'-TTTTCAGGGATACATTGTTTTTATAATTTTTCACCACATGATTTTTCTTCTCTCCAATGT[A>G]GTGGTCAGTTTTCTCTTGCAGTCGTCAGCCTGAACATAACATCCTTGGGATTACGCTCCC-3'